The following is an entry in ClinVar:

ClinVar aggregate classification (germline): Pathogenic (1 of 4 stars; one submission).

Conditions:
Hyper-IgM syndrome type 1. Also called: CD40 Ligand Deficiency; Hyper-IgM Immunodeficiency Syndrome, Type 1; X-linked hyper-IgM syndrome; Immunodeficiency, X-linked, with hyper-IgM. Identifiers: Orphanet 101088, MedGen C0398689, MONDO:0010626, OMIM 308230.

Submission:

Labcorp Genetics (formerly Invitae), Labcorp
Classification: Pathogenic for Hyper-IgM syndrome type 1. Last evaluated: 2021-08-04. Review status: criteria provided, single submitter. Criteria: Invitae Variant Classification Sherloc (09022015). Collection method: clinical testing. Allele origin: germline.
Comment: This variant is a gross deletion of the genomic region encompassing exon(s) 1-3 of the CD40LG gene, which includes the initiator codon. The 5' end of this event is unknown as it extends beyond the assayed region for this gene and therefore may encompass additional genes. The 3' boundary is likely confined to intron 3 of the CD40LG gene. It is expected to result in an absent or disrupted protein product. Loss-of-function variants in CD40LG are known to be pathogenic (PMID: 15319456). A similar copy number variant has been observed in individual(s) with hyper-IgM syndrome (PMID: 15358621). For these reasons, this variant has been classified as Pathogenic.

Literature cited by the submitters: PubMed 15319456; PubMed 15358621.

NC_000023.10:g.(?_135730388)_(135737600_?)del

Gene: CD40LG (CD40 ligand; plus strand). Cytogenetic location: Xq26.3.
Variant type: Deletion.
Identifiers: ClinVar variation 1454482 (VCV001454482.6).